The following is an entry in ClinVar:

ClinVar aggregate classification (germline): Pathogenic (1 of 4 stars; one submission).

Conditions:
Autosomal recessive polycystic kidney disease (ARPKD). Also called: AR polycystic kidney disease. Identifiers: Orphanet 731, Orphanet 8378, MedGen C0085548, MeSH D017044, MONDO:0009889.

Submission:

Natera, Inc.
Classification: Pathogenic for Autosomal recessive polycystic kidney disease. Last evaluated: 2025-12-15. Review status: criteria provided, single submitter. Criteria: Natera Variant Classification Schema (03/2026). Collection method: clinical testing. Allele origin: germline.
Comment: The c.7691_7733+7del variant in PKHD1 is a frameshift variant predicted to shift the reading frame and introduce a stop codon. This variant is expected to result in nonsense mediated decay, truncation, or a dysfunctional protein product. This variant is rare in the general population with a frequency below the threshold expected for the associated phenotype(s). This variant has been observed in one or more individuals affected with the associated recessive disease, as either homozygous or compound heterozygous with a second variant (PMID: 33940108). Given the available evidence, this variant is classified as Pathogenic.

Literature cited by the submitters: PubMed 33940108.

NM_138694.4(PKHD1):c.7691_7733+7del

Gene: PKHD1 (PKHD1 ciliary IPT domain containing fibrocystin/polyductin; minus strand). Cytogenetic location: 6p12.2.
Variant type: Deletion.
Coding change: c.7691_7733+7del on transcript NM_138694.4 (MANE Select); coding-DNA position 7691 through 7 bases into the intron after coding-DNA position 7733, 50 bases deleted.
Molecular consequence: splice donor variant.
Genome position (GRCh38, 1-based): chr6:51,867,856-51,867,905, 50 bases deleted; deleting any 50 consecutive bases within chr6:51,867,856-51,867,909 gives the same sequence; the c. name uses the placement nearest the transcript's 3' end. GRCh37 (hg19): chr6:51,732,658-51,732,707.
Other names: c.7691_7733+7del (NM_170724.3).
Identifiers: ClinVar variation 4060055 (VCV004060055.2).